The following is an entry in ClinVar:

NM_014317.5(PDSS1):c.721+4C>T

Gene: PDSS1 (decaprenyl diphosphate synthase subunit 1; plus strand). Cytogenetic location: 10p12.1.
Variant type: single nucleotide variant.
Coding change: c.721+4C>T on transcript NM_014317.5 (MANE Select); 4 bases into the intron after coding-DNA position 721, C replaced by T.
Molecular consequence: intron variant.
Genome position (GRCh38, 1-based): chr10:26,723,921, C>T. VCF-style: chr10-26723921-C-T. GRCh37 (hg19) VCF-style: chr10-27012850-C-T.
Other names: c.211+4C>T (NM_001321979.2); c.721+4C>T (NM_001321978.2, NM_014317.3).
Identifiers: ClinVar variation 1480500 (VCV001480500.4), dbSNP rs570270874, ClinGen allele CA5447008.
Genomic context (GRCh38, chr10:26,723,921, plus strand): 5'-TTGGAAATACAACTGTTATATCTATTTTAACCCAAGTTATTGAAGATTTGGTGCGTGGTA[C>T]GTTGATTCTGATTTTTCTTCTTTGTTATTCAACCCTGGTGTTTAGCCAGGCAATAAAGCC-3'

ClinVar aggregate classification (germline): Uncertain significance. Review status: criteria provided, multiple submitters, no conflicts (2 of 4 stars). 2 submissions from 2 submitters: Uncertain significance (2). Last evaluated 2023-11-22.

Conditions:
Inborn genetic diseases. Identifiers: MedGen C0950123, MeSH D030342.

gnomAD v4.1: 69 of 1,599,270 alleles (0.0043%); highest among the groups gnomAD compares: Non-Finnish European, 0.0053%; no homozygotes.

Submissions (2):

Ambry Genetics
Classification: Uncertain significance for Inborn genetic diseases. Last evaluated: 2023-11-22. Review status: criteria provided, single submitter. Criteria: Ambry Variant Classification Scheme 2023. Collection method: clinical testing. Allele origin: germline.
Comment: The c.721+4C>T intronic alteration consists of a C to T substitution 4 nucleotides after exon 7 of the PDSS1 gene. Based on insufficient or conflicting evidence, the clinical significance of this alteration remains unclear.

Labcorp Genetics (formerly Invitae), Labcorp
Classification: Uncertain significance. Last evaluated: 2022-06-05. Review status: criteria provided, single submitter. Criteria: Invitae Variant Classification Sherloc (09022015). Collection method: clinical testing. Allele origin: germline.
Comment: This sequence change falls in intron 7 of the PDSS1 gene. It does not directly change the encoded amino acid sequence of the PDSS1 protein. It affects a nucleotide within the consensus splice site. This variant is present in population databases (rs570270874, gnomAD 0.004%). This variant has not been reported in the literature in individuals affected with PDSS1-related conditions. ClinVar contains an entry for this variant (Variation ID: 1480500). Variants that disrupt the consensus splice site are a relatively common cause of aberrant splicing (PMID: 17576681, 9536098). Algorithms developed to predict the effect of sequence changes on RNA splicing suggest that this variant is not likely to affect RNA splicing. In summary, the available evidence is currently insufficient to determine the role of this variant in disease. Therefore, it has been classified as a Variant of Uncertain Significance.

Literature cited by the submitters: PubMed 17576681 (cited by Labcorp Genetics (formerly Invitae), Labcorp); PubMed 9536098 (cited by Labcorp Genetics (formerly Invitae), Labcorp).